The following is an entry in ClinVar:

NM_000545.8(HNF1A):c.717G>A (p.Ala239=)

Gene: HNF1A (HNF1 homeobox A; plus strand). Cytogenetic location: 12q24.31.
Variant type: single nucleotide variant.
Coding change: c.717G>A on transcript NM_000545.8 (MANE Select); coding-DNA position 717, G replaced by A.
Protein change: p.Ala239=; no amino-acid change (alanine 239 retained).
Molecular consequence: synonymous variant.
Genome position (GRCh38, 1-based): chr12:120,994,167, G>A. VCF-style: chr12-120994167-G-A. GRCh37 (hg19) VCF-style: chr12-121431970-G-A.
Other names: c.717G>A, p.Ala239= (NM_001306179.2, NM_001406915.1).
Identifiers: ClinVar variation 1757524 (VCV001757524.4), dbSNP rs147630771, ClinGen allele CA6831823.

ClinVar aggregate classification (germline): Conflicting classifications of pathogenicity. Review status: criteria provided, conflicting classifications (1 of 4 stars). 3 submissions from 3 submitters: Uncertain significance (1); Likely benign (2). Last evaluated 2024-08-27.

Conditions:
Maturity-onset diabetes of the young (MODY). Also called: Maturity onset diabetes mellitus in young. Identifiers: Orphanet 552, MedGen C0342276, MONDO:0018911, HP:0004904.

Allele frequency attached by ClinVar (database versions not stated): gnomAD exomes 0.00001; TOPMed 0.00001; ExAC 0.00002; gnomAD 0.00002; ESP Exome Variant Server 0.00008.
gnomAD v4.1: 13 of 1,612,882 alleles (0.00081%); highest among the groups gnomAD compares: Admixed American, 0.0033%; no homozygotes.

Submissions (3):

Women's Health and Genetics/Laboratory Corporation of America, LabCorp
Classification: Likely benign. Last evaluated: 2024-08-27. Review status: criteria provided, single submitter. Criteria: LabCorp Variant Classification Summary - May 2015. Collection method: clinical testing. Allele origin: germline.

Labcorp Genetics (formerly Invitae), Labcorp
Classification: Uncertain significance. Last evaluated: 2023-11-28. Review status: criteria provided, single submitter. Criteria: Invitae Variant Classification Sherloc (09022015). Collection method: clinical testing. Allele origin: germline.
Comment: This sequence change affects codon 239 of the HNF1A mRNA. It is a 'silent' change, meaning that it does not change the encoded amino acid sequence of the HNF1A protein. The frequency data for this variant in the population databases is considered unreliable, as metrics indicate poor data quality at this position in the gnomAD database. This variant has not been reported in the literature in individuals affected with HNF1A-related conditions. ClinVar contains an entry for this variant (Variation ID: 1757524). Algorithms developed to predict the effect of sequence changes on RNA splicing suggest that this variant may create or strengthen a splice site. In summary, the available evidence is currently insufficient to determine the role of this variant in disease. Therefore, it has been classified as a Variant of Uncertain Significance.

Ambry Genetics
Classification: Likely benign for Maturity-onset diabetes of the young. Last evaluated: 2020-11-22. Review status: criteria provided, single submitter. Criteria: Ambry Variant Classification Scheme 2023. Collection method: clinical testing. Allele origin: germline.